The following is an entry in ClinVar:

ClinVar aggregate classification (germline): Conflicting classifications of pathogenicity. Review status: criteria provided, conflicting classifications (1 of 4 stars). 6 submissions from 6 submitters: Uncertain significance (2); Likely benign (1). 3 of the submissions do not count toward it. Last evaluated 2025-04-02.

Conditions:
Familial renal glucosuria (GLYS). Also called: RENAL GLUCOSURIA, AUTOSOMAL DOMINANT; Familial renal glycosuria. Identifiers: Orphanet 69076, MedGen C3245525, MONDO:0009297, OMIM 233100.

Allele frequency attached by ClinVar (database versions not stated): 1000 Genomes Project 30x 0.00016; ESP Exome Variant Server 0.00023; TOPMed 0.00036; gnomAD 0.00038 and 0.00039; gnomAD exomes 0.00039 and 0.00059; 1000 Genomes Project 0.00040; ExAC 0.00047.
gnomAD v4.1: 900 of 1,601,842 alleles (0.056%); highest among the groups gnomAD compares: Non-Finnish European, 0.071%; 1 homozygote.

Submissions (6):

MVZ Medizinische Genetik Mainz
Classification: Uncertain significance for Familial renal glucosuria. Last evaluated: 2025-04-02. Review status: criteria provided, single submitter. Criteria: UK Practice Guidelines For Variant Classification V4 01 2020. Collection method: clinical testing. Allele origin: germline. Inheritance: Autosomal recessive inheritance. Affected: yes. Observed: 1 variant allele.
Comment: Compound Heterozygote

Blueprint Genetics
Classification: Likely benign. Last evaluated: 2024-07-25. Review status: criteria provided, single submitter. Criteria: ACMG Guidelines, 2015. Collection method: clinical testing. Allele origin: germline.

Illumina Laboratory Services, Illumina
Classification: Uncertain significance for Familial renal glucosuria. Last evaluated: 2018-01-12. Review status: criteria provided, single submitter. Criteria: ICSL Variant Classification Criteria 13 December 2019. Collection method: clinical testing. Allele origin: germline.

Bioscientia Institut fuer Medizinische Diagnostik GmbH, Sonic Healthcare
Classification: Uncertain significance for Familial renal glucosuria. Last evaluated: 2019-12-11. Review status: no assertion criteria provided. Collection method: clinical testing. Allele origin: germline. Affected: yes. Not counted in ClinVar's aggregate classification.

Genome Diagnostics Laboratory, University Medical Center Utrecht
Classification: Likely benign. Review status: no assertion criteria provided. Collection method: clinical testing. Allele origin: germline. Affected: yes. Study: VKGL Data-share Consensus. Not counted in ClinVar's aggregate classification.

Joint Genome Diagnostic Labs from Nijmegen and Maastricht, Radboudumc and MUMC+
Classification: Likely benign. Review status: no assertion criteria provided. Collection method: clinical testing. Allele origin: germline. Affected: yes. Study: VKGL Data-share Consensus. Not counted in ClinVar's aggregate classification.

NM_003041.4(SLC5A2):c.1275G>A (p.Val425=)

Gene: SLC5A2 (solute carrier family 5 member 2; plus strand). Cytogenetic location: 16p11.2.
Variant type: single nucleotide variant.
Coding change: c.1275G>A on transcript NM_003041.4 (MANE Select); coding-DNA position 1275, G replaced by A.
Protein change: p.Val425=; no amino-acid change (valine 425 retained).
Molecular consequence: synonymous variant.
Genome position (GRCh38, 1-based): chr16:31,488,767, G>A. VCF-style: chr16-31488767-G-A. GRCh37 (hg19) VCF-style: chr16-31500088-G-A.
Identifiers: ClinVar variation 884766 (VCV000884766.10), dbSNP rs183103554, ClinGen allele CA8031058.
Genomic context (GRCh38, chr16:31,488,767, plus strand): 5'-CACCATGGACATCTACACGCGCCTGCGGCCACGCGCCGGCGACCGCGAGCTGCTGCTGGT[G>A]GGACGGTGCGGCCTGGGCTCCCCTCCTCCCCAACGGATCAGCCCGGGGCGGGGGCTTGCG-3'
Protein context (NP_003032.1, residues 415-435): PRAGDRELLL[Val425=]GRLWVVFIVV